The following is an entry in ClinVar:

NM_000642.3(AGL):c.1082+30_1082+35del

Gene: AGL (amylo-alpha-1,6-glucosidase and 4-alpha-glucanotransferase; plus strand). Cytogenetic location: 1p21.2.
Variant type: Microsatellite.
Coding change: c.1082+30_1082+35del on transcript NM_000642.3 (MANE Select); bases 30 to 35 of the intron after coding-DNA position 1082, 6 bases deleted (ATAATA; older notation c.1082+30_1082+35delATAATA).
Molecular consequence: intron variant.
Genome position (GRCh38, 1-based): chr1:99,874,840-99,874,845, ATAATA deleted; deleting any 6 consecutive bases within chr1:99,874,836-99,874,845 gives the same sequence; the c. name uses the placement nearest the transcript's 3' end. VCF-style (leftmost placement, unchanged base first): chr1-99874835-AAATAAT-A. GRCh37 (hg19) VCF-style: chr1-100340391-AAATAAT-A.
Other names: c.1082+30_1082+35del (NM_000643.3, NM_000644.3, NM_001425326.1 and 3 more transcripts); c.1034+30_1034+35del (NM_000646.3); c.878+30_878+35del (NM_001425328.1, NM_001425329.1); c.704+30_704+35del (NM_001425332.1).
Identifiers: ClinVar variation 3029614 (VCV003029614.2), dbSNP rs751938393, ClinGen allele CA966375.

ClinVar aggregate classification (germline): Likely benign (0 of 4 stars; one submission).

Conditions:
AGL-related disorder. Also called: AGL-related condition.

Submission:

PreventionGenetics, part of Exact Sciences
Classification: Likely benign for AGL-related condition. Last evaluated: 2022-09-15. Review status: no assertion criteria provided. Collection method: clinical testing. Allele origin: germline.
Comment: This variant is classified as likely benign based on ACMG/AMP sequence variant interpretation guidelines (Richards et al. 2015 PMID: 25741868, with internal and published modifications).